The following is an entry in ClinVar:

ClinVar aggregate classification (germline): Benign/Likely benign. Review status: criteria provided, multiple submitters, no conflicts (2 of 4 stars). 3 submissions from 3 submitters: Benign (2); Likely benign (1). Last evaluated 2026-03-01.

Conditions:
Amish lethal microcephaly (MCPHA). Also called: THIAMINE METABOLISM DYSFUNCTION SYNDROME 3 (MICROCEPHALY TYPE); MICROCEPHALY, AMISH TYPE. Identifiers: Orphanet 99742, MedGen C1846648, MONDO:0011790, OMIM 607196.

Allele frequency attached by ClinVar (database versions not stated): gnomAD exomes 0.00088 and 0.00284; gnomAD 0.00713 and 0.00766; TOPMed 0.00814; 1000 Genomes Project 0.01018; 1000 Genomes Project 30x 0.01077; ExAC 0.02239.
gnomAD v4.1: 1,493 of 607,638 alleles (0.25%); highest among the groups gnomAD compares: African/African-American, 2.5%; 18 homozygotes.

Submissions (3):

CeGaT Center for Human Genetics Tuebingen
Classification: Benign. Last evaluated: 2026-03-01. Review status: criteria provided, single submitter. Criteria: CeGaT Center For Human Genetics Tuebingen Variant Classification Criteria Version 2. Collection method: clinical testing. Allele origin: germline. Affected: yes. Observed: 1 variant allele.
Comment: MIF4GD-DT: BS1, BS2; SLC25A19: BS1, BS2

GeneDx
Classification: Likely benign. Last evaluated: 2019-04-16. Review status: criteria provided, single submitter. Criteria: GeneDx Variant Classification Process June 2021. Collection method: clinical testing. Allele origin: germline. Affected: yes.

Illumina Laboratory Services, Illumina
Classification: Benign for Amish lethal microcephaly. Last evaluated: 2018-01-12. Review status: criteria provided, single submitter. Criteria: ICSL Variant Classification Criteria 13 December 2019. Collection method: clinical testing. Allele origin: germline.
Comment: This variant was observed in the ICSL laboratory as part of a predisposition screen in an ostensibly healthy population. It had not been previously curated by ICSL or reported in the Human Gene Mutation Database (HGMD: prior to June 1st, 2018), and was therefore a candidate for classification through an automated scoring system. Utilizing variant allele frequency, disease prevalence and penetrance estimates, and inheritance mode, an automated score was calculated to assess if this variant is too frequent to cause the disease. Based on the score and internal cut-off values, a variant classified as benign is not then subjected to further curation. The score for this variant resulted in a classification of benign for this disease.

NM_001126121.2(SLC25A19):c.*200G>A

Genes: MIF4GD-DT (MIF4GD divergent transcript; plus strand), SLC25A19 (solute carrier family 25 member 19; minus strand). Cytogenetic location: 17q25.1.
Variant type: single nucleotide variant.
Coding change: c.*200G>A on transcript NM_001126121.2 (MANE Select); 200 bases downstream of the stop codon, G replaced by A.
Molecular consequence: 3 prime UTR variant. On other transcripts: non-coding transcript variant (1).
Genome position (GRCh38, 1-based): chr17:75,273,251, C>T on the plus strand (G>A on the coding strand, the complement: SLC25A19 is on the minus strand). VCF-style: chr17-75273251-C-T. GRCh37 (hg19) VCF-style: chr17-73269332-C-T.
Other names: c.*200G>A (NM_001126122.2, NM_021734.5).
Identifiers: ClinVar variation 325063 (VCV000325063.12), dbSNP rs62622012, ClinGen allele CA8760845.
Genomic context (GRCh38, chr17:75,273,251, plus strand): 5'-CAGAGGAGAAACAGCAACTTCCTGCTCCTTCTCACTGTGTCGTTGGCTCACCATAGACCA[C>T]GTCCTGCATTCCCTCTGATTCTCTCATGGGGAGAGCCCTGGACCTTCTGGTGGTGTCCCA-3'